The following is an entry in ClinVar:

ClinVar aggregate classification (germline): Uncertain significance. Review status: criteria provided, multiple submitters, no conflicts (2 of 4 stars). 2 submissions from 2 submitters: Uncertain significance (2). Last evaluated 2025-12-03.

Conditions:
Inborn genetic diseases. Identifiers: MedGen C0950123, MeSH D030342.

Allele frequency attached by ClinVar (database versions not stated): gnomAD 0.00001; gnomAD exomes 0.00001; TOPMed 0.00002.
gnomAD v4.1: 9 of 1,519,390 alleles (0.00059%); highest among the groups gnomAD compares: Middle Eastern, 0.017%; no homozygotes.

Submissions (2):

Ambry Genetics
Classification: Uncertain significance for Inborn genetic diseases. Last evaluated: 2025-12-03. Review status: criteria provided, single submitter. Criteria: Ambry Variant Classification Scheme 2023. Collection method: clinical testing. Allele origin: germline.

Labcorp Genetics (formerly Invitae), Labcorp
Classification: Uncertain significance. Last evaluated: 2022-07-26. Review status: criteria provided, single submitter. Criteria: Invitae Variant Classification Sherloc (09022015). Collection method: clinical testing. Allele origin: germline.
Comment: This sequence change replaces glycine with serine at codon 405 of the COL18A1 protein (p.Gly405Ser). There is a small physicochemical difference between glycine and serine. The frequency data for this variant in the population databases is considered unreliable, as metrics indicate poor data quality at this position in the gnomAD database. This variant has not been reported in the literature in individuals affected with COL18A1-related conditions. ClinVar contains an entry for this variant (Variation ID: 1383631). Experimental studies and prediction algorithms are not available or were not evaluated, and the functional significance of this variant is currently unknown. In summary, the available evidence is currently insufficient to determine the role of this variant in disease. Therefore, it has been classified as a Variant of Uncertain Significance.

NM_001379500.1(COL18A1):c.1213G>A (p.Gly405Ser)

Gene: COL18A1 (collagen type XVIII alpha 1 chain; plus strand). Cytogenetic location: 21q22.3.
Variant type: single nucleotide variant.
Coding change: c.1213G>A on transcript NM_001379500.1 (MANE Select); coding-DNA position 1213, G replaced by A.
Protein change: p.Gly405Ser; replaces glycine 405 with serine.
Molecular consequence: missense variant.
Genome position (GRCh38, 1-based): chr21:45,477,957, G>A. VCF-style: chr21-45477957-G-A. GRCh37 (hg19) VCF-style: chr21-46897871-G-A.
Other names: NM_130445.2:c.1213G>A; c.1753G>A, p.Gly585Ser (NM_030582.4); c.2458G>A, p.Gly820Ser (NM_130444.3); short protein forms G585S, G820S, G405S.
Identifiers: ClinVar variation 1383631 (VCV001383631.4), dbSNP rs1041713692, ClinGen allele CA321916490.